The following is an entry in ClinVar:

ClinVar aggregate classification (germline): Pathogenic. Review status: criteria provided, multiple submitters, no conflicts (2 of 4 stars). 3 submissions from 3 submitters: Pathogenic (3). Last evaluated 2023-08-11.

Conditions:
Familial hemophagocytic lymphohistiocytosis 3 (FHL3). Also called: UNC13D-Related Familial Hemophagocytic Lymphohistiocytosis (UNC13D-fHLH). Identifiers: Orphanet 540, MedGen C1837174, MONDO:0012146, OMIM 608898.

Allele frequency attached by ClinVar (database versions not stated): gnomAD exomes below 0.00001.
gnomAD v4.1: 3 of 1,613,748 alleles (0.00019%); highest among the groups gnomAD compares: Non-Finnish European, 0.00025%; no homozygotes.

Submissions (3):

Labcorp Genetics (formerly Invitae), Labcorp
Classification: Pathogenic for Familial hemophagocytic lymphohistiocytosis 3. Last evaluated: 2023-08-11. Review status: criteria provided, single submitter. Criteria: Invitae Variant Classification Sherloc (09022015). Collection method: clinical testing. Allele origin: germline.
Comment: ClinVar contains an entry for this variant (Variation ID: 1333524). This sequence change creates a premature translational stop signal (p.Gln251*) in the UNC13D gene. It is expected to result in an absent or disrupted protein product. Loss-of-function variants in UNC13D are known to be pathogenic (PMID: 14622600). This variant is not present in population databases (gnomAD no frequency). This premature translational stop signal has been observed in individual(s) with hemophagocytic lymphohistiocytosis (PMID: 29665027). For these reasons, this variant has been classified as Pathogenic.

GeneDx
Classification: Pathogenic. Last evaluated: 2023-07-21. Review status: criteria provided, single submitter. Criteria: GeneDx Variant Classification Process June 2021. Collection method: clinical testing. Allele origin: germline. Affected: yes.
Comment: Nonsense variant predicted to result in protein truncation or nonsense mediated decay in a gene for which loss of function is a known mechanism of disease; Not observed at significant frequency in large population cohorts (gnomAD); This variant is associated with the following publications: (PMID: 29665027)

3billion
Classification: Pathogenic for Familial hemophagocytic lymphohistiocytosis 3. Last evaluated: 2022-01-03. Review status: criteria provided, single submitter. Criteria: ACMG Guidelines, 2015. Collection method: clinical testing. Allele origin: germline. Affected: yes. Observed: 1 homozygote.
Comment: Stop-gained (nonsense): predicted to result in a loss or disruption of normal protein function through nonsense-mediated decay (NMD) or protein truncation. Multiple pathogenic variants are reported downstream of the variant (PVS1_VS).The variant has been reported to be associated with UNC13D related disorder (PMID:29665027).It is not observed in the gnomAD v2.1.1 dataset (PM2_M). Therefore, this variant is classified as pathogenic according to the recommendation of ACMG/AMP guideline.

Literature cited by the submitters: PubMed 14622600 (cited by Labcorp Genetics (formerly Invitae), Labcorp); PubMed 29665027 (cited by Labcorp Genetics (formerly Invitae), Labcorp and 3billion).

NM_199242.3(UNC13D):c.751C>T (p.Gln251Ter)

Gene: UNC13D (unc-13 homolog D; minus strand). Cytogenetic location: 17q25.1.
Variant type: single nucleotide variant.
Coding change: c.751C>T on transcript NM_199242.3 (MANE Select); coding-DNA position 751, C replaced by T.
Protein change: p.Gln251Ter; replaces glutamine 251 with a stop codon.
Molecular consequence: nonsense.
Genome position (GRCh38, 1-based): chr17:75,840,509, G>A on the plus strand (C>T on the coding strand, the complement: UNC13D is on the minus strand). VCF-style: chr17-75840509-G-A. GRCh37 (hg19) VCF-style: chr17-73836590-G-A.
Other names: c.751C>T (NM_199242.2); short protein forms Q251*.
Identifiers: ClinVar variation 1333524 (VCV001333524.5), dbSNP rs2143893153, ClinGen allele CA401109968.